The following is an entry in ClinVar:

ClinVar aggregate classification (germline): Uncertain significance. Review status: criteria provided, multiple submitters, no conflicts (2 of 4 stars). 2 submissions from 2 submitters: Uncertain significance (2). Last evaluated 2025-10-15.

Conditions:
Hereditary cancer-predisposing syndrome. Also called: Neoplastic Syndromes, Hereditary; Hereditary Cancer Syndrome; Tumor predisposition; Hereditary neoplastic syndrome. Identifiers: Orphanet 140162, MedGen C0027672, MeSH D009386, MONDO:0015356.
Hereditary breast ovarian cancer syndrome. Also called: Hereditary breast and ovarian cancer syndrome; Hereditary breast and ovarian cancer syndrome (HBOC); BRCA1- and BRCA2-Associated Hereditary Breast and Ovarian Cancer; Hereditary breast and ovarian cancer; Hereditary breast and/or ovarian cancer syndrome; Breast and ovarian cancer. Identifiers: Orphanet 145, MedGen C0677776, MeSH D061325, MONDO:0003582. Disease mechanism: loss of function.

Submissions (2):

Ambry Genetics
Classification: Uncertain significance for Hereditary cancer-predisposing syndrome. Last evaluated: 2025-10-15. Review status: criteria provided, single submitter. Criteria: Ambry Variant Classification Scheme 2023. Collection method: clinical testing. Allele origin: germline.
Comment: The p.P2409R variant (also known as c.7226C>G), located in coding exon 13 of the BRCA2 gene, results from a C to G substitution at nucleotide position 7226. The proline at codon 2409 is replaced by arginine, an amino acid with dissimilar properties. This amino acid position is highly conserved in available vertebrate species. In addition, the in silico prediction for this alteration is inconclusive. Based on the available evidence, the clinical significance of this variant remains unclear.

Labcorp Genetics (formerly Invitae), Labcorp
Classification: Uncertain significance for Hereditary breast ovarian cancer syndrome. Last evaluated: 2020-03-01. Review status: criteria provided, single submitter. Criteria: Invitae Variant Classification Sherloc (09022015). Collection method: clinical testing. Allele origin: germline.
Comment: This sequence change replaces proline with arginine at codon 2409 of the BRCA2 protein (p.Pro2409Arg). The proline residue is highly conserved and there is a moderate physicochemical difference between proline and arginine. This variant is not present in population databases (ExAC no frequency). This variant has not been reported in the literature in individuals with BRCA2-related conditions. Algorithms developed to predict the effect of missense changes on protein structure and function are either unavailable or do not agree on the potential impact of this missense change (SIFT: "Deleterious"; PolyPhen-2: "Probably Damaging"; Align-GVGD: "Class C15"). In summary, the available evidence is currently insufficient to determine the role of this variant in disease. Therefore, it has been classified as a Variant of Uncertain Significance.

NM_000059.4(BRCA2):c.7226C>G (p.Pro2409Arg)

Gene: BRCA2 (BRCA2 DNA repair associated; plus strand). Cytogenetic location: 13q13.1.
Variant type: single nucleotide variant.
Coding change: c.7226C>G on transcript NM_000059.4 (MANE Select); coding-DNA position 7226, C replaced by G.
Protein change: p.Pro2409Arg; replaces proline 2409 with arginine.
Molecular consequence: missense variant.
Genome position (GRCh38, 1-based): chr13:32,355,079, C>G. VCF-style: chr13-32355079-C-G. GRCh37 (hg19) VCF-style: chr13-32929216-C-G.
Other names: c.7226C>G (NM_000059.3); short protein forms P2409R.
Identifiers: ClinVar variation 1037051 (VCV001037051.10), dbSNP rs759999459, ClinGen allele CA387740217.